The following is an entry in ClinVar:

ClinVar aggregate classification (germline): Uncertain significance. Review status: criteria provided, multiple submitters, no conflicts (2 of 4 stars). 2 submissions from 2 submitters: Uncertain significance (2). Last evaluated 2023-11-19.

Conditions:
Long QT syndrome (LQTS). Identifiers: MedGen C0023976, MeSH D008133, MONDO:0002442. Disease mechanism: loss of function. Inheritance: Various modes of inheritance.
Cardiac arrhythmia. Also called: Cardiac rhythm disease; Arrhythmia. Identifiers: MedGen C0003811, MONDO:0007263, HP:0011675.

Allele frequency attached by ClinVar (database versions not stated): gnomAD exomes below 0.00001.
gnomAD v4.1: 1 of 1,614,064 alleles (0.000062%); highest among the groups gnomAD compares: Non-Finnish European, 0.000085%; no homozygotes.

Submissions (2):

Labcorp Genetics (formerly Invitae), Labcorp
Classification: Uncertain significance for Long QT syndrome. Last evaluated: 2023-11-19. Review status: criteria provided, single submitter. Criteria: Invitae Variant Classification Sherloc (09022015). Collection method: clinical testing. Allele origin: germline.
Comment: This sequence change replaces alanine, which is neutral and non-polar, with valine, which is neutral and non-polar, at codon 329 of the KCNQ1 protein (p.Ala329Val). This variant is not present in population databases (gnomAD no frequency). This variant has not been reported in the literature in individuals affected with KCNQ1-related conditions. ClinVar contains an entry for this variant (Variation ID: 1171771). Advanced modeling of protein sequence and biophysical properties (such as structural, functional, and spatial information, amino acid conservation, physicochemical variation, residue mobility, and thermodynamic stability) performed at Invitae indicates that this missense variant is expected to disrupt KCNQ1 protein function with a positive predictive value of 95%. In summary, the available evidence is currently insufficient to determine the role of this variant in disease. Therefore, it has been classified as a Variant of Uncertain Significance.

Color Diagnostics, LLC DBA Color Health
Classification: Uncertain significance for Cardiac arrhythmia. Last evaluated: 2020-11-24. Review status: criteria provided, single submitter. Criteria: ACMG Guidelines, 2015. Collection method: clinical testing. Allele origin: germline.
Comment: This missense variant replaces alanine with valine at codon 329 of the KCNQ1 protein. Computational prediction suggests that this variant may have deleterious impact on protein structure and function (internally defined REVEL score threshold >= 0.7, PMID: 27666373). To our knowledge, functional studies have not been reported for this variant. This variant has not been reported in individuals affected with cardiovascular disorders in the literature. This variant has not been identified in the general population by the Genome Aggregation Database (gnomAD). The available evidence is insufficient to determine the role of this variant in disease conclusively. Therefore, this variant is classified as a Variant of Uncertain Significance.

NM_000218.3(KCNQ1):c.986C>T (p.Ala329Val)

Gene: KCNQ1 (potassium voltage-gated channel subfamily Q member 1; plus strand). Cytogenetic location: 11p15.5.
Variant type: single nucleotide variant.
Coding change: c.986C>T on transcript NM_000218.3 (MANE Select); coding-DNA position 986, C replaced by T.
Protein change: p.Ala329Val; replaces alanine 329 with valine.
Molecular consequence: missense variant.
Genome position (GRCh38, 1-based): chr11:2,583,499, C>T. VCF-style: chr11-2583499-C-T. GRCh37 (hg19) VCF-style: chr11-2604729-C-T.
Other names: c.986C>T, p.Ala329Val (NM_001406836.1); c.716C>T, p.Ala239Val (NM_001406837.1); c.542C>T, p.Ala181Val (NM_001406838.1); c.605C>T, p.Ala202Val (NM_181798.2); short protein forms A202V, A329V, A181V, A239V.
Identifiers: ClinVar variation 1171771 (VCV001171771.8), dbSNP rs200436951, ClinGen allele CA216327312.